The following is an entry in ClinVar:

NM_001349206.2(LPIN1):c.2621C>T (p.Ser874Leu)

Gene: LPIN1 (lipin 1; plus strand). Cytogenetic location: 2p25.1.
Variant type: single nucleotide variant.
Coding change: c.2621C>T on transcript NM_001349206.2 (MANE Select); coding-DNA position 2621, C replaced by T.
Protein change: p.Ser874Leu; replaces serine 874 with leucine.
Molecular consequence: missense variant. On other transcripts: non-coding transcript variant (1).
Genome position (GRCh38, 1-based): chr2:11,820,514, C>T. VCF-style: chr2-11820514-C-T. GRCh37 (hg19) VCF-style: chr2-11960640-C-T.
Other names: c.2531C>T, p.Ser844Leu (NM_001261427.3); c.2768C>T, p.Ser923Leu (NM_001261428.3); c.2513C>T, p.Ser838Leu (NM_001349199.2, NM_145693.4); c.2591C>T, p.Ser864Leu (NM_001349200.2, NM_001349201.2); c.2618C>T, p.Ser873Leu (NM_001349202.2, NM_001349203.2); c.2621C>T, p.Ser874Leu (NM_001349204.2, NM_001349205.2); c.2711C>T, p.Ser904Leu (NM_001349207.2); c.2660C>T, p.Ser887Leu (NM_001349208.2); short protein forms S844L, S873L, S887L, S904L, S923L, S874L, S838L, S864L.
Identifiers: ClinVar variation 1367114 (VCV001367114.6), dbSNP rs780273443, ClinGen allele CA1534140.

ClinVar aggregate classification (germline): Uncertain significance. Review status: criteria provided, multiple submitters, no conflicts (2 of 4 stars). 2 submissions from 2 submitters: Uncertain significance (2). Last evaluated 2022-04-04.

Conditions:
Myoglobinuria, acute recurrent, autosomal recessive. Also called: Myoglobinuria, recurrent, autosomal recessive; MYOGLOBINURIA, FAMILIAL PAROXYSMAL PARALYTIC; RHABDOMYOLYSIS, ACUTE RECURRENT. Identifiers: Orphanet 99845, MedGen C1849386, MONDO:0009992, OMIM 268200.

Allele frequency attached by ClinVar (database versions not stated): ExAC 0.00001; gnomAD 0.00001; gnomAD exomes 0.00001 and 0.00002; TOPMed 0.00002.
gnomAD v4.1: 27 of 1,597,100 alleles (0.0017%); highest among the groups gnomAD compares: African/African-American, 0.0027%; no homozygotes.

Submissions (2):

Fulgent Genetics
Classification: Uncertain significance for Myoglobinuria, acute recurrent, autosomal recessive. Last evaluated: 2022-04-04. Review status: criteria provided, single submitter. Criteria: ACMG Guidelines, 2015. Collection method: clinical testing. Allele origin: unknown.

Labcorp Genetics (formerly Invitae), Labcorp
Classification: Uncertain significance. Last evaluated: 2021-08-14. Review status: criteria provided, single submitter. Criteria: Invitae Variant Classification Sherloc (09022015). Collection method: clinical testing. Allele origin: germline.
Comment: This sequence change replaces serine with leucine at codon 838 of the LPIN1 protein (p.Ser838Leu). The serine residue is highly conserved and there is a large physicochemical difference between serine and leucine. This variant is present in population databases (rs780273443, ExAC 0.002%). This variant has not been reported in the literature in individuals affected with LPIN1-related conditions. Algorithms developed to predict the effect of missense changes on protein structure and function (SIFT, PolyPhen-2, Align-GVGD) all suggest that this variant is likely to be disruptive. Algorithms developed to predict the effect of sequence changes on RNA splicing suggest that this variant may disrupt the consensus splice site. In summary, the available evidence is currently insufficient to determine the role of this variant in disease. Therefore, it has been classified as a Variant of Uncertain Significance.